The following is an entry in ClinVar:

ClinVar aggregate classification (germline): Conflicting classifications of pathogenicity. Review status: criteria provided, conflicting classifications (1 of 4 stars). 2 submissions from 2 submitters: Uncertain significance (1); Likely benign (1). Last evaluated 2025-12-19.

Conditions:
Inborn genetic diseases. Identifiers: MedGen C0950123, MeSH D030342.

Allele frequency attached by ClinVar (database versions not stated): ExAC 0.00001; gnomAD exomes 0.00001 and 0.00002; gnomAD 0.00004; TOPMed 0.00005; ESP Exome Variant Server 0.00015.
gnomAD v4.1: 12 of 1,614,116 alleles (0.00074%); highest among the groups gnomAD compares: African/African-American, 0.0027%; no homozygotes.

Submissions (2):

Labcorp Genetics (formerly Invitae), Labcorp
Classification: Uncertain significance. Last evaluated: 2025-12-19. Review status: criteria provided, single submitter. Criteria: Invitae Variant Classification Sherloc (09022015). Collection method: clinical testing. Allele origin: germline.
Comment: This sequence change replaces isoleucine, which is neutral and non-polar, with valine, which is neutral and non-polar, at codon 694 of the TNNI3K protein (p.Ile694Val). This variant is present in population databases (rs139015168, gnomAD 0.004%). This variant has not been reported in the literature in individuals affected with TNNI3K-related conditions. ClinVar contains an entry for this variant (Variation ID: 1430259). An algorithm developed to predict the effect of missense changes on protein structure and function outputs the following: PolyPhen-2: "Possibly Damaging". The valine amino acid residue is found in multiple mammalian species, which suggests that this missense change does not adversely affect protein function. In summary, the available evidence is currently insufficient to determine the role of this variant in disease. Therefore, it has been classified as a Variant of Uncertain Significance.

Ambry Genetics
Classification: Likely benign for Inborn genetic diseases. Last evaluated: 2025-08-28. Review status: criteria provided, single submitter. Criteria: Ambry Variant Classification Scheme 2023. Collection method: clinical testing. Allele origin: germline.

NM_015978.3(TNNI3K):c.2080A>G (p.Ile694Val)

Genes: FPGT-TNNI3K (FPGT-TNNI3K readthrough; plus strand), TNNI3K (TNNI3 interacting kinase; plus strand). Cytogenetic location: 1p31.1.
Variant type: single nucleotide variant.
Coding change: c.2080A>G on transcript NM_015978.3 (MANE Select); coding-DNA position 2080, A replaced by G.
Protein change: p.Ile694Val; replaces isoleucine 694 with valine.
Molecular consequence: missense variant.
Genome position (GRCh38, 1-based): chr1:74,463,509, A>G. VCF-style: chr1-74463509-A-G. GRCh37 (hg19) VCF-style: chr1-74929193-A-G.
Other names: c.2080A>G (NM_015978.2); c.2383A>G, p.Ile795Val (NM_001112808.3, NM_001199327.2); short protein forms I795V, I694V.
Identifiers: ClinVar variation 1430259 (VCV001430259.8), dbSNP rs139015168, ClinGen allele CA909585.